The following is an entry in ClinVar:

NM_000318.3(PEX2):c.96A>G (p.Leu32=)

Gene: PEX2 (peroxisomal biogenesis factor 2; minus strand). Cytogenetic location: 8q21.13.
Variant type: single nucleotide variant.
Coding change: c.96A>G on transcript NM_000318.3 (MANE Select); coding-DNA position 96, A replaced by G.
Protein change: p.Leu32=; no amino-acid change (leucine 32 retained).
Molecular consequence: synonymous variant.
Genome position (GRCh38, 1-based): chr8:76,984,083, T>C on the plus strand (A>G on the coding strand, the complement: PEX2 is on the minus strand). VCF-style: chr8-76984083-T-C. GRCh37 (hg19) VCF-style: chr8-77896319-T-C.
Other names: c.96A>G, p.Leu32= (NM_001079867.2, NM_001172086.2, NM_001172087.2).
Identifiers: ClinVar variation 764397 (VCV000764397.12), dbSNP rs754405926, ClinGen allele CA4788769.

ClinVar aggregate classification (germline): Likely benign. Review status: criteria provided, multiple submitters, no conflicts (2 of 4 stars). 3 submissions from 3 submitters: Likely benign (3). Last evaluated 2026-05-22.

Conditions:
PEX2-related disorder. Also called: PEX2-related condition.
Peroxisome biogenesis disorder 5A (Zellweger) (PBD5A). Identifiers: Orphanet 912, MedGen C3553940, MONDO:0013932, OMIM 614866.

Allele frequency attached by ClinVar (database versions not stated): gnomAD below 0.00001 and 0.00001; gnomAD exomes 0.00002 and 0.00004; ExAC 0.00004; TOPMed 0.00005.
gnomAD v4.1: 15 of 1,612,330 alleles (0.00093%); highest among the groups gnomAD compares: East Asian, 0.025%; no homozygotes.

Submissions (3):

PreventionGenetics, part of Exact Sciences
Classification: Likely benign for PEX2-related condition. Last evaluated: 2026-05-22. Review status: criteria provided, single submitter. Criteria: ACMG Guidelines, 2015. Collection method: clinical testing. Allele origin: germline.
Comment: This variant is classified as likely benign based on ACMG/AMP sequence variant interpretation guidelines (Richards et al. 2015 PMID: 25741868, with internal and published modifications).

Labcorp Genetics (formerly Invitae), Labcorp
Classification: Likely benign for Peroxisome biogenesis disorder 5A (Zellweger). Last evaluated: 2025-12-28. Review status: criteria provided, single submitter. Criteria: Invitae Variant Classification Sherloc (09022015). Collection method: clinical testing. Allele origin: germline.

Blueprint Genetics
Classification: Likely benign. Last evaluated: 2022-02-21. Review status: criteria provided, single submitter. Criteria: ACMG Guidelines, 2015. Collection method: clinical testing. Allele origin: germline.